The following is an entry in ClinVar:

ClinVar aggregate classification (germline): Uncertain significance (1 of 4 stars; one submission).

Conditions:
Dyskeratosis congenita, autosomal recessive 6 (DKCB6). Identifiers: MedGen C4225356, MONDO:0014600, OMIM 616353.
Pulmonary fibrosis and/or bone marrow failure, Telomere-related, 4. Also called: PULMONARY FIBROSIS AND/OR BONE MARROW FAILURE SYNDROME, TELOMERE-RELATED, 4. Identifiers: Orphanet 2032, MedGen C4225347, MONDO:0014612, OMIM 616371.

Submission:

Labcorp Genetics (formerly Invitae), Labcorp
Classification: Uncertain significance for Dyskeratosis congenita, autosomal recessive 6; Pulmonary fibrosis and/or bone marrow failure, Telomere-related, 4. Last evaluated: 2024-07-29. Review status: criteria provided, single submitter. Criteria: Invitae Variant Classification Sherloc (09022015). Collection method: clinical testing. Allele origin: germline.
Comment: This sequence change replaces serine, which is neutral and polar, with threonine, which is neutral and polar, at codon 100 of the PARN protein (p.Ser100Thr). This variant is not present in population databases (gnomAD no frequency). This variant has not been reported in the literature in individuals affected with PARN-related conditions. An algorithm developed to predict the effect of missense changes on protein structure and function outputs the following: PolyPhen-2: "Benign". The threonine amino acid residue is found in multiple mammalian species, which suggests that this missense change does not adversely affect protein function. In summary, the available evidence is currently insufficient to determine the role of this variant in disease. Therefore, it has been classified as a Variant of Uncertain Significance.

NM_002582.4(PARN):c.298T>A (p.Ser100Thr)

Gene: PARN (poly(A)-specific ribonuclease; minus strand). Cytogenetic location: 16p13.12.
Variant type: single nucleotide variant.
Coding change: c.298T>A on transcript NM_002582.4 (MANE Select); coding-DNA position 298, T replaced by A.
Protein change: p.Ser100Thr; replaces serine 100 with threonine.
Molecular consequence: missense variant.
Genome position (GRCh38, 1-based): chr16:14,627,135, A>T on the plus strand (T>A on the coding strand, the complement: PARN is on the minus strand). VCF-style: chr16-14627135-A-T. GRCh37 (hg19) VCF-style: chr16-14720992-A-T.
Other names: c.115T>A, p.Ser39Thr (NM_001134477.3); c.160T>A, p.Ser54Thr (NM_001242992.2); short protein forms S100T, S39T, S54T.
Identifiers: ClinVar variation 2929175 (VCV002929175.3), dbSNP rs2508624340, ClinGen allele CA394815826.